The following is an entry in ClinVar:

NM_000035.4(ALDOB):c.-1C>T

Gene: ALDOB (aldolase, fructose-bisphosphate B; minus strand). Cytogenetic location: 9q31.1.
Variant type: single nucleotide variant.
Coding change: c.-1C>T on transcript NM_000035.4 (MANE Select); 1 bases upstream of the start codon, C replaced by T.
Molecular consequence: 5 prime UTR variant.
Genome position (GRCh38, 1-based): chr9:101,430,888, G>A on the plus strand (C>T on the coding strand, the complement: ALDOB is on the minus strand). VCF-style: chr9-101430888-G-A. GRCh37 (hg19) VCF-style: chr9-104193170-G-A.
Identifiers: ClinVar variation 364317 (VCV000364317.6), dbSNP rs560091436, ClinGen allele CA5161759.

ClinVar aggregate classification (germline): Benign. Review status: criteria provided, multiple submitters, no conflicts (2 of 4 stars). 3 submissions from 3 submitters: Benign (2). 1 of the submissions does not count toward it. Last evaluated 2018-01-13.

Conditions:
Hereditary fructosuria. Also called: Fructose intolerance; ALDOB DEFICIENCY; ALDOLASE B DEFICIENCY; FRUCTOSE-1,6-BISPHOSPHATE ALDOLASE B DEFICIENCY; FRUCTOSE-1-PHOSPHATE ALDOLASE DEFICIENCY; FRUCTOSEMIA. Identifiers: Orphanet 469, MedGen C0016751, MONDO:0009249, OMIM 229600, HP:0005973. Disease mechanism: loss of function.

Allele frequency attached by ClinVar (database versions not stated): gnomAD 0.00001 and 0.00041; TOPMed 0.00008; gnomAD exomes 0.00069 and 0.00136; ExAC 0.00150; 1000 Genomes Project 0.00200; 1000 Genomes Project 30x 0.00219.
gnomAD v4.1: 1,059 of 1,611,586 alleles (0.066%); highest among the groups gnomAD compares: South Asian, 1.1%; 15 homozygotes.

Submissions (3):

Illumina Laboratory Services, Illumina
Classification: Benign for Hereditary fructosuria. Last evaluated: 2018-01-13. Review status: criteria provided, single submitter. Criteria: ICSL Variant Classification Criteria 13 December 2019. Collection method: clinical testing. Allele origin: germline.
Comment: This variant was observed in the ICSL laboratory as part of a predisposition screen in an ostensibly healthy population. It had not been previously curated by ICSL or reported in the Human Gene Mutation Database (HGMD: prior to June 1st, 2018), and was therefore a candidate for classification through an automated scoring system. Utilizing variant allele frequency, disease prevalence and penetrance estimates, and inheritance mode, an automated score was calculated to assess if this variant is too frequent to cause the disease. Based on the score and internal cut-off values, a variant classified as benign is not then subjected to further curation. The score for this variant resulted in a classification of benign for this disease.

GeneDx
Classification: Benign. Last evaluated: 2017-08-14. Review status: criteria provided, single submitter. Criteria: GeneDx Variant Classification (06012015). Collection method: clinical testing. Allele origin: germline. Affected: yes.
Comment: This variant is considered likely benign or benign based on one or more of the following criteria: it is a conservative change, it occurs at a poorly conserved position in the protein, it is predicted to be benign by multiple in silico algorithms, and/or has population frequency not consistent with disease.

Natera, Inc.
Classification: Benign for Fructose intolerance. Last evaluated: 2020-09-16. Review status: no assertion criteria provided. Collection method: clinical testing. Allele origin: germline. Not counted in ClinVar's aggregate classification.